The following is an entry in ClinVar:

NM_020975.6(RET):c.1592G>A (p.Cys531Tyr)

Gene: RET (ret proto-oncogene; plus strand). Cytogenetic location: 10q11.21.
Variant type: single nucleotide variant.
Coding change: c.1592G>A on transcript NM_020975.6 (MANE Select); coding-DNA position 1592, G replaced by A.
Protein change: p.Cys531Tyr; replaces cysteine 531 with tyrosine.
Molecular consequence: missense variant.
Genome position (GRCh38, 1-based): chr10:43,112,168, G>A. VCF-style: chr10-43112168-G-A. GRCh37 (hg19) VCF-style: chr10-43607616-G-A.
Other names: c.1592G>A, p.Cys531Tyr (NM_000323.2, NM_001406743.1, NM_001406744.1 and 6 more transcripts); c.830G>A, p.Cys277Tyr (NM_001355216.2); c.1463G>A, p.Cys488Tyr (NM_001406761.1, NM_001406762.1, NM_001406764.1 and 1 more transcripts); c.1304G>A, p.Cys435Tyr (NM_001406766.1, NM_001406767.1, NM_001406770.1); c.1196G>A, p.Cys399Tyr (NM_001406769.1, NM_001406772.1); c.1154G>A, p.Cys385Tyr (NM_001406771.1, NM_001406773.1); c.1067G>A, p.Cys356Tyr (NM_001406774.1); c.866G>A, p.Cys289Tyr (NM_001406775.1, NM_001406776.1, NM_001406777.1 and 1 more transcripts); and 5 more; short protein forms C277Y, C399Y, C531Y, C201Y, C356Y, C435Y, C488Y, C136Y.
Identifiers: ClinVar variation 1775944 (VCV001775944.7), dbSNP rs1837952614, ClinGen allele CA376550571.

ClinVar aggregate classification (germline): Uncertain significance. Review status: criteria provided, multiple submitters, no conflicts (2 of 4 stars). 4 submissions from 4 submitters: Uncertain significance (4). Last evaluated 2024-08-06.

Conditions:
Hereditary cancer-predisposing syndrome. Also called: Neoplastic Syndromes, Hereditary; Tumor predisposition; Hereditary Cancer Syndrome; Hereditary neoplastic syndrome. Identifiers: Orphanet 140162, MedGen C0027672, MeSH D009386, MONDO:0015356.
Multiple endocrine neoplasia, type 2 (MEN2). Identifiers: Orphanet 653, MedGen C4048306, MONDO:0019003. Disease mechanism: gain of function.
Hirschsprung disease, susceptibility to, 1 (HSCR1). Also called: RET-Related Hirschsprung Disease. Identifiers: Orphanet 388, MedGen C3888239, MONDO:0007723, OMIM 142623.

Allele frequency attached by ClinVar (database versions not stated): gnomAD exomes below 0.00001.
gnomAD v4.1: 6 of 1,580,202 alleles (0.00038%); highest among the groups gnomAD compares: Non-Finnish European, 0.00052%; no homozygotes.

Submissions (4):

All of Us Research Program, National Institutes of Health
Classification: Uncertain significance for Multiple endocrine neoplasia, type 2. Last evaluated: 2024-08-06. Review status: criteria provided, single submitter. Criteria: ACMG Guidelines, 2015. Collection method: clinical testing. Allele origin: germline. Inheritance: Autosomal dominant inheritance. Observed: 1 variant allele, 1 heterozygote.
Comment: This study involves interpretation of variants in research participants for the purpose of population health screening. Participant phenotype was not available at the time of variant classification. Additional details can be found in publication PMID: 35346344, PMCID: PMC8962531

Labcorp Genetics (formerly Invitae), Labcorp
Classification: Uncertain significance for Multiple endocrine neoplasia, type 2. Last evaluated: 2024-08-04. Review status: criteria provided, single submitter. Criteria: Invitae Variant Classification Sherloc (09022015). Collection method: clinical testing. Allele origin: germline.
Comment: This sequence change replaces cysteine, which is neutral and slightly polar, with tyrosine, which is neutral and polar, at codon 531 of the RET protein (p.Cys531Tyr). This variant is not present in population databases (gnomAD no frequency). This variant has not been reported in the literature in individuals affected with RET-related conditions. ClinVar contains an entry for this variant (Variation ID: 1775944). An algorithm developed to predict the effect of missense changes on protein structure and function (PolyPhen-2) suggests that this variant is likely to be disruptive. In summary, the available evidence is currently insufficient to determine the role of this variant in disease. Therefore, it has been classified as a Variant of Uncertain Significance.

Ambry Genetics
Classification: Uncertain significance for Hereditary cancer-predisposing syndrome. Last evaluated: 2024-05-18. Review status: criteria provided, single submitter. Criteria: Ambry Variant Classification Scheme 2023. Collection method: clinical testing. Allele origin: germline.
Comment: The p.C531Y variant (also known as c.1592G>A), located in coding exon 8 of the RET gene, results from a G to A substitution at nucleotide position 1592. The cysteine at codon 531 is replaced by tyrosine, an amino acid with highly dissimilar properties. This amino acid position is well conserved in available vertebrate species. In addition, this alteration is predicted to be deleterious by in silico analysis. Since supporting evidence is limited at this time, the clinical significance of this alteration remains unclear.

Baylor Genetics
Classification: Uncertain significance for Hirschsprung disease, susceptibility to, 1. Last evaluated: 2023-09-04. Review status: criteria provided, single submitter. Criteria: ACMG Guidelines, 2015. Collection method: clinical testing. Allele origin: unknown.